The following is an entry in ClinVar:

NM_018474.6(KIZ):c.52G>T (p.Glu18Ter)

Genes: KIZ (kizuna centrosomal protein; plus strand), LOC130065507 (ATAC-STARR-seq lymphoblastoid silent region 12713; plus strand). Cytogenetic location: 20p11.23.
Variant type: single nucleotide variant.
Coding change: c.52G>T on transcript NM_018474.6 (MANE Select); coding-DNA position 52, G replaced by T.
Protein change: p.Glu18Ter; replaces glutamic acid 18 with a stop codon.
Molecular consequence: nonsense. On other transcripts: 5 prime UTR variant (4), missense variant (1).
Genome position (GRCh38, 1-based): chr20:21,126,167, G>T. VCF-style: chr20-21126167-G-T. GRCh37 (hg19) VCF-style: chr20-21106808-G-T.
Other names: c.-95G>T (NM_001163022.3, NM_001163023.3, NM_001352435.2); c.131G>T, p.Arg44Leu (NM_001276389.2); c.52G>T, p.Glu18Ter (NM_001352434.2); c.-335G>T (NM_001352436.2); short protein forms E18*, R44L.
Identifiers: ClinVar variation 128242 (VCV000128242.12), dbSNP rs587777376, ClinGen allele CA151550.
Genomic context (GRCh38, chr20:21,126,167, plus strand): 5'-GGCAGCAGCATGAGCCGGACCCTCGCATCGGCCGTGCCCCTGTCGAGTCCCGACTACTAC[G>T]AGAGGCTGGGCCAACTCCAGCACGGGCTGCGGGACAGGTAAGGGCACTGGGGCGGGGGTG-3'

ClinVar aggregate classification (germline): Pathogenic/Likely pathogenic. Review status: criteria provided, multiple submitters, no conflicts (2 of 4 stars). 5 submissions from 5 submitters: Pathogenic (2); Likely pathogenic (2). 1 of the submissions does not count toward it. Last evaluated 2025-08-21.

Conditions:
Retinitis pigmentosa 69 (RP69). Identifiers: Orphanet 791, MedGen C4014312, MONDO:0014345, OMIM 615780.
KIZ & PLK1S1-related disorders.

Allele frequency attached by ClinVar (database versions not stated): TOPMed below 0.00001; gnomAD 0.00001.
gnomAD v4.1: 7 of 1,508,932 alleles (0.00046%); highest among the groups gnomAD compares: Non-Finnish European, 0.00062%; no homozygotes.

Submissions (5):

Labcorp Genetics (formerly Invitae), Labcorp
Classification: Pathogenic. Last evaluated: 2025-08-21. Review status: criteria provided, single submitter. Criteria: Invitae Variant Classification Sherloc (09022015). Collection method: clinical testing. Allele origin: germline.
Comment: This sequence change creates a premature translational stop signal (p.Glu18*) in the KIZ gene. It is expected to result in an absent or disrupted protein product. Loss-of-function variants in KIZ are known to be pathogenic (PMID: 24680887, 29057815). This variant is not present in population databases (gnomAD no frequency). This premature translational stop signal has been observed in individual(s) with KIZ-related conditions (PMID: 24680887). ClinVar contains an entry for this variant (Variation ID: 128242). For these reasons, this variant has been classified as Pathogenic.

First Genomix Gene Laboratory, Genetic Diagnostics Department
Classification: Pathogenic for Retinitis pigmentosa 69. Last evaluated: 2025-05-29. Review status: criteria provided, single submitter. Criteria: ACMG Guidelines, 2015. Collection method: clinical testing. Allele origin: germline. Inheritance: Autosomal recessive inheritance. Affected: no. Observed: 1 variant allele.

Department of Pathology and Laboratory Medicine, Sinai Health System
Classification: Likely pathogenic for Retinitis pigmentosa 69. Last evaluated: 2023-01-23. Review status: criteria provided, single submitter. Criteria: ACMG Guidelines, 2015. Collection method: research. Allele origin: germline.

Blueprint Genetics
Classification: Likely pathogenic for KIZ & PLK1S1-related disorders. Last evaluated: 2022-09-05. Review status: criteria provided, single submitter. Criteria: ACMG Guidelines, 2015. Collection method: clinical testing. Allele origin: germline. Affected: yes. Observed: 5 variant alleles.

OMIM
Classification: Pathogenic for RETINITIS PIGMENTOSA 69. Last evaluated: 2014-04-03. Review status: no assertion criteria provided. Collection method: literature only. Allele origin: germline. Not counted in ClinVar's aggregate classification.

Literature cited by the submitters: PubMed 24680887 (cited by Labcorp Genetics (formerly Invitae), Labcorp and OMIM); PubMed 29057815 (cited by Labcorp Genetics (formerly Invitae), Labcorp).